The following is an entry in ClinVar:

ClinVar aggregate classification (germline): Pathogenic (1 of 4 stars; one submission).

Conditions:
Achondrogenesis, type IA (ACG1A). Identifiers: Orphanet 932, Orphanet 93299, MedGen C0265273, MONDO:0008701, OMIM 200600.

Submission:

Labcorp Genetics (formerly Invitae), Labcorp
Classification: Pathogenic for Achondrogenesis, type IA. Last evaluated: 2022-11-13. Review status: criteria provided, single submitter. Criteria: Invitae Variant Classification Sherloc (09022015). Collection method: clinical testing. Allele origin: germline.
Comment: This sequence change creates a premature translational stop signal (p.Thr971Asnfs*3) in the TRIP11 gene. It is expected to result in an absent or disrupted protein product. Loss-of-function variants in TRIP11 are known to be pathogenic (PMID: 20089971, 23956106). This variant is not present in population databases (gnomAD no frequency). This variant has not been reported in the literature in individuals affected with TRIP11-related conditions. For these reasons, this variant has been classified as Pathogenic.

Literature cited by the submitters: PubMed 20089971; PubMed 23956106.

NM_004239.4(TRIP11):c.2911dup (p.Thr971fs)

Gene: TRIP11 (thyroid hormone receptor interactor 11; minus strand). Cytogenetic location: 14q32.12.
Variant type: Duplication.
Coding change: c.2911dup on transcript NM_004239.4 (MANE Select); coding-DNA position 2911, one base duplicated (A; older notation c.2911dupA).
Protein change: p.Thr971fs; shifts the reading frame from threonine 971.
Molecular consequence: frameshift variant.
Genome position (GRCh38, 1-based): chr14:92,005,065, T duplicated on the plus strand (A on the coding strand, the reverse complement: TRIP11 is on the minus strand); the first of 6 consecutive T bases (chr14:92,005,065-92,005,070); duplicating any one gives the same sequence. VCF-style (leftmost placement, unchanged base first): chr14-92005064-G-GT. GRCh37 (hg19) VCF-style: chr14-92471408-G-GT.
Other names: c.2908dup, p.Thr970fs (NM_001321851.1); short protein forms T970fs, T971fs.
Identifiers: ClinVar variation 2814011 (VCV002814011.3), dbSNP rs2543031034, ClinGen allele CA2575605795.